The following is an entry in ClinVar:

ClinVar aggregate classification (germline): Uncertain significance (1 of 4 stars; one submission).

Conditions:
Developmental and epileptic encephalopathy, 11 (DEE11). Also called: Early infantile epileptic encephalopathy 11. Identifiers: Orphanet 1934, MedGen C3150987, MONDO:0013388, OMIM 613721.
Seizures, benign familial infantile, 3 (BFIS3). Also called: CONVULSIONS, BENIGN FAMILIAL INFANTILE, 3; Familial neonatal seizures. Identifiers: Orphanet 140927, Orphanet 306, MedGen C1843140, MONDO:0011904, OMIM 607745.

Allele frequency attached by ClinVar (database versions not stated): gnomAD exomes below 0.00001.
gnomAD v4.1: 1 of 1,583,358 alleles (0.000063%); highest among the groups gnomAD compares: Non-Finnish European, 0.000087%; no homozygotes.

Submission:

Labcorp Genetics (formerly Invitae), Labcorp
Classification: Uncertain significance for Seizures, benign familial infantile, 3; Developmental and epileptic encephalopathy, 11. Last evaluated: 2020-02-27. Review status: criteria provided, single submitter. Criteria: Invitae Variant Classification Sherloc (09022015). Collection method: clinical testing. Allele origin: germline.
Comment: In summary, the available evidence is currently insufficient to determine the role of this variant in disease. Therefore, it has been classified as a Variant of Uncertain Significance. Algorithms developed to predict the effect of missense changes on protein structure and function are either unavailable or do not agree on the potential impact of this missense change (SIFT: "Deleterious"; PolyPhen-2: "Possibly Damaging"; Align-GVGD: "Class C0"). This variant has not been reported in the literature in individuals with SCN2A-related conditions. This variant is not present in population databases (ExAC no frequency). This sequence change replaces valine with isoleucine at codon 93 of the SCN2A protein (p.Val93Ile). The valine residue is highly conserved and there is a small physicochemical difference between valine and isoleucine.

NM_001040142.2(SCN2A):c.277G>A (p.Val93Ile)

Gene: SCN2A (sodium voltage-gated channel alpha subunit 2; plus strand). Cytogenetic location: 2q24.3.
Variant type: single nucleotide variant.
Coding change: c.277G>A on transcript NM_001040142.2 (MANE Select); coding-DNA position 277, G replaced by A.
Protein change: p.Val93Ile; replaces valine 93 with isoleucine.
Molecular consequence: missense variant.
Genome position (GRCh38, 1-based): chr2:165,297,026, G>A. VCF-style: chr2-165297026-G-A. GRCh37 (hg19) VCF-style: chr2-166153536-G-A.
Other names: c.277G>A, p.Val93Ile (NM_001040143.2, NM_001371246.1, NM_001371247.1 and 1 more transcripts); short protein forms V93I.
Identifiers: ClinVar variation 967255 (VCV000967255.10), dbSNP rs1696548073, ClinGen allele CA349011277.
Genomic context (GRCh38, chr2:165,297,026, plus strand): 5'-TCTTAATATATATTCTAAGTTTTATTTTATGTGTTGTGTTTTCTTTTTCAGACGTTTATA[G>A]TATTGAATAAAGGGAAAGCAATCTCTCGATTCAGTGCCACCCCTGCCCTTTACATTTTAA-3'
Protein context (NP_001035232.1, residues 83-103): PYYINKKTFI[Val93Ile]LNKGKAISRF